The following is an entry in ClinVar:

NM_000719.7(CACNA1C):c.580G>A (p.Gly194Ser)

Gene: CACNA1C (calcium voltage-gated channel subunit alpha1 C; plus strand). Cytogenetic location: 12p13.33.
Variant type: single nucleotide variant.
Coding change: c.580G>A on transcript NM_000719.7 (MANE Select); coding-DNA position 580, G replaced by A.
Protein change: p.Gly194Ser; replaces glycine 194 with serine.
Molecular consequence: missense variant.
Genome position (GRCh38, 1-based): chr12:2,449,078, G>A. VCF-style: chr12-2449078-G-A. GRCh37 (hg19) VCF-style: chr12-2558244-G-A.
Other names: c.580G>A, p.Gly194Ser (NM_001129827.2, NM_001129829.2, NM_001129830.3 and 19 more transcripts); c.580G>A (NM_000719.6); short protein forms G194S.
Identifiers: ClinVar variation 1016430 (VCV001016430.8), dbSNP rs753418562, ClinGen allele CA6388480.

ClinVar aggregate classification (germline): Uncertain significance. Review status: criteria provided, multiple submitters, no conflicts (2 of 4 stars). 2 submissions from 2 submitters: Uncertain significance (2). Last evaluated 2025-12-08.

Conditions:
Cardiovascular phenotype. Identifiers: MedGen CN230736.
Long QT syndrome (LQTS). Identifiers: MedGen C0023976, MeSH D008133, MONDO:0002442. Disease mechanism: loss of function. Inheritance: Various modes of inheritance.

Allele frequency attached by ClinVar (database versions not stated): TOPMed below 0.00001; gnomAD exomes 0.00001 and 0.00002; ExAC 0.00004.
gnomAD v4.1: 14 of 1,575,420 alleles (0.00089%); highest among the groups gnomAD compares: East Asian, 0.0023%; no homozygotes.

Submissions (2):

Labcorp Genetics (formerly Invitae), Labcorp
Classification: Uncertain significance for Long QT syndrome. Last evaluated: 2025-12-08. Review status: criteria provided, single submitter. Criteria: Invitae Variant Classification Sherloc (09022015). Collection method: clinical testing. Allele origin: germline.
Comment: This sequence change replaces glycine, which is neutral and non-polar, with serine, which is neutral and polar, at codon 194 of the CACNA1C protein (p.Gly194Ser). This variant is present in population databases (rs753418562, gnomAD 0.007%). This variant has not been reported in the literature in individuals affected with CACNA1C-related conditions. ClinVar contains an entry for this variant (Variation ID: 1016430). Invitae Evidence Modeling of protein sequence and biophysical properties (such as structural, functional, and spatial information, amino acid conservation, physicochemical variation, residue mobility, and thermodynamic stability) has been performed for this missense variant. However, the output from this modeling did not meet the statistical confidence thresholds required to predict the impact of this variant on CACNA1C protein function. In summary, the available evidence is currently insufficient to determine the role of this variant in disease. Therefore, it has been classified as a Variant of Uncertain Significance.

Ambry Genetics
Classification: Uncertain significance for Cardiovascular phenotype. Last evaluated: 2024-02-07. Review status: criteria provided, single submitter. Criteria: Ambry Variant Classification Scheme 2023. Collection method: clinical testing. Allele origin: germline.
Comment: The p.G194S variant (also known as c.580G>A), located in coding exon 4 of the CACNA1C gene, results from a G to A substitution at nucleotide position 580. The glycine at codon 194 is replaced by serine, an amino acid with similar properties. Based on data from gnomAD, the frequency for this variant is above the maximum credible frequency for a cardiac disease-causing variant in this gene based on internally established thresholds (Karczewski et al. Nature. 2020 May;581(7809):434-443; Whiffin et al. Genet Med. 2017 10;19:1151-1158). This amino acid position is highly conserved in available vertebrate species. In addition, this alteration is predicted to be deleterious by in silico analysis. Based on the available evidence, the clinical significance of this alteration remains unclear.